The following is an entry in ClinVar:

ClinVar aggregate classification (germline): Uncertain significance (1 of 4 stars; one submission).

Conditions:
Inborn genetic diseases. Identifiers: MedGen C0950123, MeSH D030342.

Allele frequency attached by ClinVar (database versions not stated): TOPMed below 0.00001.

Submission:

Ambry Genetics
Classification: Uncertain significance for Inborn genetic diseases. Last evaluated: 2022-03-14. Review status: criteria provided, single submitter. Criteria: Ambry Variant Classification Scheme 2023. Collection method: clinical testing. Allele origin: germline.
Comment: The p.V1065A variant (also known as c.3194T>C), located in coding exon 24 of the LRRK2 gene, results from a T to C substitution at nucleotide position 3194. The valine at codon 1065 is replaced by alanine, an amino acid with similar properties. This amino acid position is conserved. In addition, this alteration is predicted to be tolerated by in silico analysis. Since supporting evidence is limited at this time, the clinical significance of this alteration remains unclear.

NM_198578.4(LRRK2):c.3194T>C (p.Val1065Ala)

Gene: LRRK2 (leucine rich repeat kinase 2; plus strand). Cytogenetic location: 12q12.
Variant type: single nucleotide variant.
Coding change: c.3194T>C on transcript NM_198578.4 (MANE Select); coding-DNA position 3194, T replaced by C.
Protein change: p.Val1065Ala; replaces valine 1065 with alanine.
Molecular consequence: missense variant.
Genome position (GRCh38, 1-based): chr12:40,298,340, T>C. VCF-style: chr12-40298340-T-C. GRCh37 (hg19) VCF-style: chr12-40692142-T-C.
Other names: short protein forms V1065A.
Identifiers: ClinVar variation 1728699 (VCV001728699.2), dbSNP rs1944461537, ClinGen allele CA384414496.
Genomic context (GRCh38, chr12:40,298,340, plus strand): 5'-ATAAATTTACATCATTTCCTTCTTATTTGTTGAAAATGAGTTGTATTGCTAATCTTGATG[T>C]CTCTCGAAATGACATTGGACCCTCAGTGGTTTTAGATCCTACAGTGAAATGTCCAACTCT-3'
Protein context (NP_940980.4, residues 1055-1075): LKMSCIANLD[Val1065Ala]SRNDIGPSVV